The following is an entry in ClinVar:

NM_020297.4(ABCC9):c.3284G>A (p.Arg1095His)

Gene: ABCC9 (ATP binding cassette subfamily C member 9; minus strand). Cytogenetic location: 12p12.1.
Variant type: single nucleotide variant.
Coding change: c.3284G>A on transcript NM_020297.4 (MANE Select); coding-DNA position 3284, G replaced by A.
Protein change: p.Arg1095His; replaces arginine 1095 with histidine.
Molecular consequence: missense variant.
Genome position (GRCh38, 1-based): chr12:21,844,514, C>T on the plus strand (G>A on the coding strand, the complement: ABCC9 is on the minus strand). VCF-style: chr12-21844514-C-T. GRCh37 (hg19) VCF-style: chr12-21997448-C-T.
Other names: c.3284G>A, p.Arg1095His (NM_001377273.1, NM_005691.4); c.2417G>A, p.Arg806His (NM_001377274.1); c.3284G>A (NM_005691.2); short protein forms R1095H, R806H.
Identifiers: ClinVar variation 5024729 (VCV005024729.1), dbSNP rs869025347.

ClinVar aggregate classification (germline): Uncertain significance (1 of 4 stars; one submission).

Conditions:
Cardiovascular phenotype. Identifiers: MedGen CN230736.

Submission:

Ambry Genetics
Classification: Uncertain significance for Cardiovascular phenotype. Last evaluated: 2026-08-10. Review status: criteria provided, single submitter. Criteria: Ambry Variant Classification Scheme 2023. Collection method: clinical testing. Allele origin: germline.
Comment: The p.R1095H variant (also known as c.3284G>A), located in coding exon 26 of the ABCC9 gene, results from a G to A substitution at nucleotide position 3284. The arginine at codon 1095 is replaced by histidine, an amino acid with highly similar properties. This amino acid position is conserved. In addition, this alteration is predicted to be deleterious by in silico analysis. Based on the available evidence, the clinical significance of this variant remains unclear.